The following is an entry in ClinVar:

NM_001042492.3(NF1):c.3917G>A (p.Arg1306Gln)

Gene: NF1 (neurofibromin 1; plus strand). Cytogenetic location: 17q11.2.
Variant type: single nucleotide variant.
Coding change: c.3917G>A on transcript NM_001042492.3 (MANE Select); coding-DNA position 3917, G replaced by A.
Protein change: p.Arg1306Gln; replaces arginine 1306 with glutamine.
Molecular consequence: missense variant.
Genome position (GRCh38, 1-based): chr17:31,235,964, G>A. VCF-style: chr17-31235964-G-A. GRCh37 (hg19) VCF-style: chr17-29562982-G-A.
Other names: c.3917G>A, p.Arg1306Gln (NM_000267.4); short protein forms R1306Q.
Identifiers: ClinVar variation 527599 (VCV000527599.7), dbSNP rs1306237220, ClinGen allele CA398993147.

ClinVar aggregate classification (germline): Uncertain significance. Review status: criteria provided, multiple submitters, no conflicts (2 of 4 stars). 2 submissions from 2 submitters: Uncertain significance (2). Last evaluated 2025-09-15.

Conditions:
Neurofibromatosis, type 1 (NF1). Also called: VON RECKLINGHAUSEN DISEASE; NEUROFIBROMATOSIS, TYPE I, SOMATIC; Peripheral type neurofibromatosis; Neurofibromatosis, type I. Identifiers: Orphanet 636, MedGen C0027831, MONDO:0018975, OMIM 162200. Disease mechanism: loss of function.
Cardiovascular phenotype. Identifiers: MedGen CN230736.
Hereditary cancer-predisposing syndrome. Also called: Neoplastic Syndromes, Hereditary; Tumor predisposition; Hereditary neoplastic syndrome; Hereditary Cancer Syndrome. Identifiers: Orphanet 140162, MedGen C0027672, MeSH D009386, MONDO:0015356.

Allele frequency attached by ClinVar (database versions not stated): gnomAD exomes below 0.00001; TOPMed below 0.00001.
gnomAD v4.1: 4 of 1,613,804 alleles (0.00025%); highest among the groups gnomAD compares: Non-Finnish European, 0.00034%; no homozygotes.

Submissions (2):

Labcorp Genetics (formerly Invitae), Labcorp
Classification: Uncertain significance for Neurofibromatosis, type 1. Last evaluated: 2025-09-15. Review status: criteria provided, single submitter. Criteria: Invitae Variant Classification Sherloc (09022015). Collection method: clinical testing. Allele origin: germline.
Comment: This sequence change replaces arginine, which is basic and polar, with glutamine, which is neutral and polar, at codon 1306 of the NF1 protein (p.Arg1306Gln). This variant is present in population databases (no rsID available, gnomAD 0.0009%). This variant has not been reported in the literature in individuals affected with NF1-related conditions. ClinVar contains an entry for this variant (Variation ID: 527599). Invitae Evidence Modeling of protein sequence and biophysical properties (such as structural, functional, and spatial information, amino acid conservation, physicochemical variation, residue mobility, and thermodynamic stability) indicates that this missense variant is not expected to disrupt NF1 protein function with a negative predictive value of 95%. In summary, the available evidence is currently insufficient to determine the role of this variant in disease. Therefore, it has been classified as a Variant of Uncertain Significance.

Ambry Genetics
Classification: Uncertain significance for Cardiovascular phenotype; Hereditary cancer-predisposing syndrome. Last evaluated: 2023-04-14. Review status: criteria provided, single submitter. Criteria: Ambry Variant Classification Scheme 2023. Collection method: clinical testing. Allele origin: germline.
Comment: The p.R1306Q variant (also known as c.3917G>A), located in coding exon 29 of the NF1 gene, results from a G to A substitution at nucleotide position 3917. The arginine at codon 1306 is replaced by glutamine, an amino acid with highly similar properties. This amino acid position is highly conserved in available vertebrate species. In addition, the in silico prediction for this alteration is inconclusive. Since supporting evidence is limited at this time, the clinical significance of this alteration remains unclear.